The following is an entry in ClinVar:

ClinVar aggregate classification (germline): Pathogenic. Review status: criteria provided, multiple submitters, no conflicts (2 of 4 stars). 6 submissions from 6 submitters: Pathogenic (5). 1 of the submissions does not count toward it. Last evaluated 2025-05-07.

Conditions:
Autosomal recessive limb-girdle muscular dystrophy type 2K. Also called: MUSCULAR DYSTROPHY-DYSTROGLYCANOPATHY (LIMB-GIRDLE), TYPE C, 1; MUSCULAR DYSTROPHY, LIMB-GIRDLE, TYPE 2K. Identifiers: Orphanet 86812, MedGen C1836373, MONDO:0012248, OMIM 609308.
Muscular dystrophy-dystroglycanopathy (congenital with impaired intellectual development), type B, 1. Also called: MUSCULAR DYSTROPHY, CONGENITAL, POMT1-RELATED; Muscular dystrophy-dystroglycanopathy (congenital with intellectual disability), type B1. Identifiers: MedGen C5436962, MONDO:0013159, OMIM 613155.
Walker-Warburg congenital muscular dystrophy. Also called: Muscular dystrophy-dystroglycanopathy, type A; Walker-Warburg syndrome. Identifiers: Orphanet 899, MedGen C0265221, MONDO:0000171.
Abnormality of the musculature. Identifiers: MedGen C4021745, HP:0003011.
Muscular dystrophy-dystroglycanopathy (congenital with brain and eye anomalies), type A1 (MDDGA1). Also called: Muscular dystrophy-dystroglycanopathy (congenital with brain and eye anomalies), type A, 1; Hydrocephalus, agyria and retinal dysplasia; Hard +/- E syndrome; Warburg syndrome; Chemke syndrome; Pagon syndrome. Identifiers: Orphanet 588, Orphanet 899, MedGen C4284790, MONDO:0009364, OMIM 236670.

Allele frequency attached by ClinVar (database versions not stated): gnomAD 0.00001.
gnomAD v4.1: 1 of 1,614,064 alleles (0.000062%); highest among the groups gnomAD compares: Non-Finnish European, 0.000085%; no homozygotes.

Submissions (6):

Labcorp Genetics (formerly Invitae), Labcorp
Classification: Pathogenic for Muscular dystrophy-dystroglycanopathy (congenital with impaired intellectual development), type B, 1; Walker-Warburg congenital muscular dystrophy; Autosomal recessive limb-girdle muscular dystrophy type 2K. Last evaluated: 2025-05-07. Review status: criteria provided, single submitter. Criteria: Invitae Variant Classification Sherloc (09022015). Collection method: clinical testing. Allele origin: germline.
Comment: This sequence change creates a premature translational stop signal (p.Gln303*) in the POMT1 gene. It is expected to result in an absent or disrupted protein product. Loss-of-function variants in POMT1 are known to be pathogenic (PMID: 12369018, 15637732, 16575835). The frequency data for this variant in the population databases is considered unreliable, as metrics indicate poor data quality at this position in the gnomAD database. This premature translational stop signal has been observed in individual(s) with Walker-Warburg syndrome (PMID: 12369018, 31311558). ClinVar contains an entry for this variant (Variation ID: 3239). For these reasons, this variant has been classified as Pathogenic.

GeneDx
Classification: Pathogenic. Last evaluated: 2022-12-01. Review status: criteria provided, single submitter. Criteria: GeneDx Variant Classification Process June 2021. Collection method: clinical testing. Allele origin: germline. Affected: yes.
Comment: Nonsense variant predicted to result in protein truncation or nonsense mediated decay in a gene for which loss of function is a known mechanism of disease; Not observed at significant frequency in large population cohorts (gnomAD); Also known as p.Q164X; This variant is associated with the following publications: (PMID: 25525159, 31311558, 12369018, 33772059)

MGZ Medical Genetics Center
Classification: Pathogenic for Muscular dystrophy-dystroglycanopathy (congenital with brain and eye anomalies), type A1. Last evaluated: 2022-03-24. Review status: criteria provided, single submitter. Criteria: ACMG Guidelines, 2015. Collection method: clinical testing. Allele origin: germline. Affected: yes. Observed: 2 variant alleles.
Comment: ACMG criteria applied: PVS1, PM3, PM2_SUP

Baylor Genetics
Classification: Pathogenic for Muscular dystrophy-dystroglycanopathy (congenital with brain and eye anomalies), type A1. Last evaluated: 2021-12-01. Review status: criteria provided, single submitter. Criteria: ACMG Guidelines, 2015. Collection method: clinical testing. Allele origin: unknown.

Kariminejad - Najmabadi Pathology & Genetics Center
Classification: Pathogenic for Abnormality of the musculature. Last evaluated: 2021-07-10. Review status: criteria provided, single submitter. Criteria: ACMG Guidelines, 2015. Collection method: clinical testing. Allele origin: germline. Affected: yes.

OMIM
Classification: Pathogenic for MUSCULAR DYSTROPHY-DYSTROGLYCANOPATHY (CONGENITAL WITH EYE AND BRAIN ANOMALIES), TYPE A, 1. Last evaluated: 2002-11-01. Review status: no assertion criteria provided. Collection method: literature only. Allele origin: germline. Not counted in ClinVar's aggregate classification.

Literature cited by the submitters: PubMed 12369018 (cited by Labcorp Genetics (formerly Invitae), Labcorp and OMIM); PubMed 15637732 (cited by Labcorp Genetics (formerly Invitae), Labcorp); PubMed 16575835 (cited by Labcorp Genetics (formerly Invitae), Labcorp); PubMed 31311558 (cited by Labcorp Genetics (formerly Invitae), Labcorp); PubMed 11320179 (cited by OMIM).

NM_001077365.2(POMT1):c.841C>T (p.Gln281Ter)

Gene: POMT1 (protein O-mannosyltransferase 1; plus strand). Cytogenetic location: 9q34.13.
Variant type: single nucleotide variant.
Coding change: c.841C>T on transcript NM_001077365.2 (MANE Select); coding-DNA position 841, C replaced by T.
Protein change: p.Gln281Ter; replaces glutamine 281 with a stop codon.
Molecular consequence: nonsense. On other transcripts: missense variant (1), non-coding transcript variant (10).
Genome position (GRCh38, 1-based): chr9:131,510,401, C>T. VCF-style: chr9-131510401-C-T. GRCh37 (hg19) VCF-style: chr9-134385788-C-T.
Other names: c.679C>T, p.Gln227Ter (NM_001077366.2, NM_001353194.2, NM_001374693.1); c.841C>T, p.Gln281Ter (NM_001136113.2, NM_001374690.1); c.490C>T, p.Gln164Ter (NM_001136114.2, NM_001353195.2, NM_001374691.1 and 1 more transcripts); c.907C>T, p.Gln303Ter (NM_001353193.2, NM_007171.4); c.751C>T, p.Gln251Ter (NM_001353196.2); c.745C>T, p.Gln249Ter (NM_001353197.2, NM_001353198.2); c.556C>T, p.Gln186Ter (NM_001353199.2); c.385C>T, p.Gln129Ter (NM_001353200.2); and 3 more; short protein forms Q303*, Q227*, Q249*, Q186*, Q281*, Q129*, Q164*, Q251*.
Identifiers: ClinVar variation 3239 (VCV000003239.29), dbSNP rs119462981, ClinGen allele CA278042.